The following is an entry in ClinVar:

ClinVar aggregate classification (germline): Benign. Review status: criteria provided, multiple submitters, no conflicts (2 of 4 stars). 6 submissions from 6 submitters: Benign (6). Last evaluated 2026-02-04.

Conditions:
Cone-rod dystrophy 7 (CORD7). Identifiers: Orphanet 1872, MedGen C1863634, MONDO:0011355, OMIM 603649.

Allele frequency attached by ClinVar (database versions not stated): TOPMed 0.26581; gnomAD 0.27968 and 0.27986; gnomAD exomes 0.35917 and 0.45533; ExAC 0.38767; 1000 Genomes Project 30x 0.21455; 1000 Genomes Project 0.21945.
gnomAD v4.1: 506,193 of 1,445,990 alleles (35%); highest among the groups gnomAD compares: Non-Finnish European, 37%; 91,885 homozygotes.

Submissions (6):

Labcorp Genetics (formerly Invitae), Labcorp
Classification: Benign. Last evaluated: 2026-02-04. Review status: criteria provided, single submitter. Criteria: Invitae Variant Classification Sherloc (09022015). Collection method: clinical testing. Allele origin: germline.

Genome-Nilou Lab
Classification: Benign for Cone-rod dystrophy 7. Last evaluated: 2021-11-07. Review status: criteria provided, single submitter. Criteria: ACMG Guidelines, 2015. Collection method: clinical testing. Allele origin: germline. Affected: no.

GeneDx
Classification: Benign. Last evaluated: 2018-04-26. Review status: criteria provided, single submitter. Criteria: GeneDx Variant Classification (06012015). Collection method: clinical testing. Allele origin: germline. Affected: yes.
Comment: This variant is considered likely benign or benign based on one or more of the following criteria: it is a conservative change, it occurs at a poorly conserved position in the protein, it is predicted to be benign by multiple in silico algorithms, and/or has population frequency not consistent with disease.

Illumina Laboratory Services, Illumina
Classification: Benign for Cone-rod dystrophy 7. Last evaluated: 2018-01-12. Review status: criteria provided, single submitter. Criteria: ICSL Variant Classification Criteria 13 December 2019. Collection method: clinical testing. Allele origin: germline.
Comment: This variant was observed in the ICSL laboratory as part of a predisposition screen in an ostensibly healthy population. It had not been previously curated by ICSL or reported in the Human Gene Mutation Database (HGMD: prior to June 1st, 2018), and was therefore a candidate for classification through an automated scoring system. Utilizing variant allele frequency, disease prevalence and penetrance estimates, and inheritance mode, an automated score was calculated to assess if this variant is too frequent to cause the disease. Based on the score and internal cut-off values, a variant classified as benign is not then subjected to further curation. The score for this variant resulted in a classification of benign for this disease.

Eurofins Ntd Llc (ga)
Classification: Benign. Last evaluated: 2016-10-31. Review status: criteria provided, single submitter. Criteria: EGL Classification Definitions 2015. Collection method: clinical testing. Allele origin: germline. Observed: 17 variant alleles, 13 heterozygotes, 4 homozygotes.

PreventionGenetics, part of Exact Sciences
Classification: Benign. Review status: criteria provided, single submitter. Criteria: ACMG Guidelines, 2015. Collection method: clinical testing. Allele origin: germline.

NM_014989.7(RIMS1):c.1209G>A (p.Ala403=)

Gene: RIMS1 (regulating synaptic membrane exocytosis 1; plus strand). Cytogenetic location: 6q13.
Variant type: single nucleotide variant.
Coding change: c.1209G>A on transcript NM_014989.7 (MANE Select); coding-DNA position 1209, G replaced by A.
Protein change: p.Ala403=; no amino-acid change (alanine 403 retained).
Molecular consequence: synonymous variant.
Genome position (GRCh38, 1-based): chr6:72,182,680, G>A. VCF-style: chr6-72182680-G-A. GRCh37 (hg19) VCF-style: chr6-72892383-G-A.
Identifiers: ClinVar variation 95656 (VCV000095656.21), dbSNP rs114505309, ClinGen allele CA148700.